The following is an entry in ClinVar:

NM_001290060.2(SEMA3B):c.1307del (p.Asp436fs)

Gene: SEMA3B (semaphorin 3B; plus strand). Cytogenetic location: 3p21.31.
Variant type: Deletion.
Coding change: c.1307del on transcript NM_001290060.2 (MANE Select); coding-DNA position 1307, one base deleted (A; older notation c.1307delA).
Protein change: p.Asp436fs; shifts the reading frame from aspartic acid 436.
Molecular consequence: frameshift variant. On other transcripts: non-coding transcript variant (1).
Genome position (GRCh38, 1-based): chr3:50,274,532, A deleted. VCF-style (leftmost placement, unchanged base first): chr3-50274531-GA-G. GRCh37 (hg19) VCF-style: chr3-50311962-GA-G.
Other names: c.1322delA (NM_001290061.1); c.1304del, p.Asp435fs (NM_001005914.3, NM_001435957.1, NM_001435958.1); c.1322del, p.Asp441fs (NM_001290061.1); c.278del, p.Asp93fs (NM_001290062.2, NM_001290063.2); c.1307del, p.Asp436fs (NM_001435956.1, NM_004636.4); short protein forms D93fs, D436fs, D441fs, D435fs.
Identifiers: ClinVar variation 4978194 (VCV004978194.1).

ClinVar aggregate classification (germline): Uncertain significance (1 of 4 stars; one submission).

Conditions:
SEMA3B-related disorder. Also called: SEMA3B-related condition.

Submission:

PreventionGenetics, part of Exact Sciences
Classification: Uncertain significance for SEMA3B-related condition. Last evaluated: 2026-06-04. Review status: criteria provided, single submitter. Criteria: ACMG Guidelines, 2015. Collection method: clinical testing. Allele origin: germline.
Comment: The SEMA3B c.1322delA variant is predicted to result in a frameshift and premature protein termination (p.Asp441Alafs*23). To our knowledge, this variant has not been reported in the literature. This variant is reported in 0.0010% of alleles in individuals of European (Non-Finnish) descent in gnomAD. At this time, the clinical significance of this variant is uncertain due to the absence of conclusive functional and genetic evidence.